The following is an entry in ClinVar:

ClinVar aggregate classification (germline): Uncertain significance (1 of 4 stars; one submission).

Submission:

GeneDx
Classification: Uncertain significance. Last evaluated: 2026-04-09. Review status: criteria provided, single submitter. Criteria: GeneDx Variant Classification Process June 2021. Collection method: clinical testing. Allele origin: germline.
Comment: Not observed at significant frequency in large population cohorts (gnomAD); In silico analysis does not support a benign or deleterious effect of this variant on protein structure/function; Has not been previously published as pathogenic or benign to our knowledge

NM_019066.5(MAGEL2):c.398C>T (p.Ser133Leu)

Gene: MAGEL2 (MAGE family member L2; minus strand). Cytogenetic location: 15q11.2.
Variant type: single nucleotide variant.
Coding change: c.398C>T on transcript NM_019066.5 (MANE Select); coding-DNA position 398, C replaced by T.
Protein change: p.Ser133Leu; replaces serine 133 with leucine.
Molecular consequence: missense variant.
Genome position (GRCh38, 1-based): chr15:23,647,345, G>A on the plus strand (C>T on the coding strand, the complement: MAGEL2 is on the minus strand). VCF-style: chr15-23647345-G-A. GRCh37 (hg19) VCF-style: chr15-23892492-G-A.
Other names: short protein forms S133L.
Identifiers: ClinVar variation 5018365 (VCV005018365.1).